The following is an entry in ClinVar:

ClinVar aggregate classification (germline): Benign. Review status: criteria provided, multiple submitters, no conflicts (2 of 4 stars). 4 submissions from 4 submitters: Benign (3). 1 of the submissions does not count toward it. Last evaluated 2026-01-27.

Conditions:
SLC6A19-related disorder. Also called: SLC6A19-related condition.

Allele frequency attached by ClinVar (database versions not stated): gnomAD exomes 0.00518; ExAC 0.00631; gnomAD 0.01986 and 0.02121; 1000 Genomes Project 0.02077; 1000 Genomes Project 30x 0.02124; TOPMed 0.02314; ESP Exome Variant Server 0.02322.
gnomAD v4.1: 6,397 of 1,613,866 alleles (0.4%); highest among the groups gnomAD compares: African/African-American, 7%; 198 homozygotes.

Submissions (4):

Labcorp Genetics (formerly Invitae), Labcorp
Classification: Benign. Last evaluated: 2026-01-27. Review status: criteria provided, single submitter. Criteria: Invitae Variant Classification Sherloc (09022015). Collection method: clinical testing. Allele origin: germline.

Mayo Clinic Laboratories, Mayo Clinic
Classification: Benign. Last evaluated: 2023-04-03. Review status: criteria provided, single submitter. Criteria: ACMG Guidelines, 2015. Collection method: clinical testing. Allele origin: germline. Observed: 8 variant alleles.

Breakthrough Genomics
Classification: Benign. Review status: criteria provided, single submitter. Criteria: ACMG Guidelines, 2015. Collection method: not provided. Allele origin: germline. Inheritance: Autosomal recessive inheritance. Affected: yes.

PreventionGenetics, part of Exact Sciences
Classification: Benign for SLC6A19-related condition. Last evaluated: 2019-04-25. Review status: no assertion criteria provided. Collection method: clinical testing. Allele origin: germline. Not counted in ClinVar's aggregate classification.
Comment: This variant is classified as benign based on ACMG/AMP sequence variant interpretation guidelines (Richards et al. 2015 PMID: 25741868, with internal and published modifications).

NM_001003841.3(SLC6A19):c.1002C>T (p.Asp334=)

Gene: SLC6A19 (solute carrier family 6 member 19; plus strand). Cytogenetic location: 5p15.33.
Variant type: single nucleotide variant.
Coding change: c.1002C>T on transcript NM_001003841.3 (MANE Select); coding-DNA position 1002, C replaced by T.
Protein change: p.Asp334=; no amino-acid change (aspartic acid 334 retained).
Molecular consequence: synonymous variant.
Genome position (GRCh38, 1-based): chr5:1,216,672, C>T. VCF-style: chr5-1216672-C-T. GRCh37 (hg19) VCF-style: chr5-1216787-C-T.
Other names: p.Asp334=.
Identifiers: ClinVar variation 784049 (VCV000784049.15), dbSNP rs60893203, ClinGen allele CA3182981.